The following is an entry in ClinVar:

ClinVar aggregate classification (germline): Uncertain significance (1 of 4 stars; one submission).

Conditions:
Inborn genetic diseases. Identifiers: MedGen C0950123, MeSH D030342.

Submission:

Ambry Genetics
Classification: Uncertain significance for Inborn genetic diseases. Last evaluated: 2025-01-13. Review status: criteria provided, single submitter. Criteria: Ambry Variant Classification Scheme 2023. Collection method: clinical testing. Allele origin: germline.
Comment: The p.A206G variant (also known as c.617C>G), located in coding exon 2 of the FANCM gene, results from a C to G substitution at nucleotide position 617. The alanine at codon 206 is replaced by glycine, an amino acid with similar properties. This amino acid position is conserved. In addition, this alteration is predicted to be tolerated by in silico analysis. Based on the available evidence, the clinical significance of this variant remains unclear.

NM_020937.4(FANCM):c.617C>G (p.Ala206Gly)

Gene: FANCM (FA complementation group M; plus strand). Cytogenetic location: 14q21.2.
Variant type: single nucleotide variant.
Coding change: c.617C>G on transcript NM_020937.4 (MANE Select); coding-DNA position 617, C replaced by G.
Protein change: p.Ala206Gly; replaces alanine 206 with glycine.
Molecular consequence: missense variant.
Genome position (GRCh38, 1-based): chr14:45,137,177, C>G. VCF-style: chr14-45137177-C-G. GRCh37 (hg19) VCF-style: chr14-45606380-C-G.
Other names: c.617C>G, p.Ala206Gly (NM_001308133.2, NM_001308134.2); short protein forms A206G.
Identifiers: ClinVar variation 3848611 (VCV003848611.1).